The following is an entry in ClinVar:

ClinVar aggregate classification (germline): Likely benign. Review status: criteria provided, multiple submitters, no conflicts (2 of 4 stars). 4 submissions from 4 submitters: Likely benign (4). Last evaluated 2026-02-01.

Allele frequency attached by ClinVar (database versions not stated): ExAC 0.00003; gnomAD 0.00011 and 0.00010; TOPMed 0.00012; gnomAD exomes 0.00006 and 0.00008.
gnomAD v4.1: 128 of 1,614,054 alleles (0.0079%); highest among the groups gnomAD compares: Non-Finnish European, 0.0094%; no homozygotes.

Submissions (4):

CeGaT Center for Human Genetics Tuebingen
Classification: Likely benign. Last evaluated: 2026-02-01. Review status: criteria provided, single submitter. Criteria: CeGaT Center For Human Genetics Tuebingen Variant Classification Criteria Version 2. Collection method: clinical testing. Allele origin: germline. Affected: yes. Observed: 1 variant allele.
Comment: ARFGEF2: BP4, BP7

Labcorp Genetics (formerly Invitae), Labcorp
Classification: Likely benign. Last evaluated: 2025-07-29. Review status: criteria provided, single submitter. Criteria: Invitae Variant Classification Sherloc (09022015). Collection method: clinical testing. Allele origin: germline.

Blueprint Genetics
Classification: Likely benign. Last evaluated: 2024-10-28. Review status: criteria provided, single submitter. Criteria: ACMG Guidelines, 2015. Collection method: clinical testing. Allele origin: germline.

GeneDx
Classification: Likely benign. Last evaluated: 2019-01-09. Review status: criteria provided, single submitter. Criteria: GeneDx Variant Classification Process June 2021. Collection method: clinical testing. Allele origin: germline. Affected: yes.

NM_006420.3(ARFGEF2):c.2793C>T (p.Ile931=)

Gene: ARFGEF2 (ARF guanine nucleotide exchange factor 2; plus strand). Cytogenetic location: 20q13.13.
Variant type: single nucleotide variant.
Coding change: c.2793C>T on transcript NM_006420.3 (MANE Select); coding-DNA position 2793, C replaced by T.
Protein change: p.Ile931=; no amino-acid change (isoleucine 931 retained).
Molecular consequence: synonymous variant.
Genome position (GRCh38, 1-based): chr20:48,989,663, C>T. VCF-style: chr20-48989663-C-T. GRCh37 (hg19) VCF-style: chr20-47606200-C-T.
Identifiers: ClinVar variation 779778 (VCV000779778.20), dbSNP rs752777009, ClinGen allele CA9898736.